The following is an entry in ClinVar:

NM_020778.5(ALPK3):c.2954G>A (p.Gly985Glu)

Gene: ALPK3 (alpha kinase 3; plus strand). Cytogenetic location: 15q25.3.
Variant type: single nucleotide variant.
Coding change: c.2954G>A on transcript NM_020778.5 (MANE Select); coding-DNA position 2954, G replaced by A.
Protein change: p.Gly985Glu; replaces glycine 985 with glutamic acid.
Molecular consequence: missense variant.
Genome position (GRCh38, 1-based): chr15:84,857,692, G>A. VCF-style: chr15-84857692-G-A. GRCh37 (hg19) VCF-style: chr15-85400923-G-A.
Other names: c.3560G>A (NM_020778.4); short protein forms G985E.
Identifiers: ClinVar variation 2971578 (VCV002971578.5), dbSNP rs376664318, ClinGen allele CA7709526.

ClinVar aggregate classification (germline): Conflicting classifications of pathogenicity. Review status: criteria provided, conflicting classifications (1 of 4 stars). 3 submissions from 3 submitters: Uncertain significance (2); Likely benign (1). Last evaluated 2025-11-12.

Conditions:
Cardiovascular phenotype. Identifiers: MedGen CN230736.

Allele frequency attached by ClinVar (database versions not stated): gnomAD 0.00001; gnomAD exomes 0.00002; TOPMed 0.00002; ESP Exome Variant Server 0.00008.
gnomAD v4.1: 22 of 1,610,480 alleles (0.0014%); highest among the groups gnomAD compares: Non-Finnish European, 0.0019%; no homozygotes.

Submissions (3):

Labcorp Genetics (formerly Invitae), Labcorp
Classification: Uncertain significance. Last evaluated: 2025-11-12. Review status: criteria provided, single submitter. Criteria: Invitae Variant Classification Sherloc (09022015). Collection method: clinical testing. Allele origin: germline.
Comment: This sequence change replaces glycine, which is neutral and non-polar, with glutamic acid, which is acidic and polar, at codon 1187 of the ALPK3 protein (p.Gly1187Glu). This variant is present in population databases (rs376664318, gnomAD 0.002%). This variant has not been reported in the literature in individuals affected with ALPK3-related conditions. ClinVar contains an entry for this variant (Variation ID: 2971578). Invitae Evidence Modeling of protein sequence and biophysical properties (such as structural, functional, and spatial information, amino acid conservation, physicochemical variation, residue mobility, and thermodynamic stability) indicates that this missense variant is not expected to disrupt ALPK3 protein function with a negative predictive value of 80%. In summary, the available evidence is currently insufficient to determine the role of this variant in disease. Therefore, it has been classified as a Variant of Uncertain Significance.

GeneDx
Classification: Uncertain significance. Last evaluated: 2024-10-02. Review status: criteria provided, single submitter. Criteria: GeneDx Variant Classification Process June 2021. Collection method: clinical testing. Allele origin: germline. Affected: yes.
Comment: Not observed at significant frequency in large population cohorts (gnomAD); In silico analysis indicates that this missense variant does not alter protein structure/function; Has not been previously published as pathogenic or benign to our knowledge

Ambry Genetics
Classification: Likely benign for Cardiovascular phenotype. Last evaluated: 2024-08-29. Review status: criteria provided, single submitter. Criteria: Ambry Variant Classification Scheme 2023. Collection method: clinical testing. Allele origin: germline.

Literature cited by the submitters: PubMed 37904629 (cited by Ambry Genetics).